The following is an entry in ClinVar:

NM_015156.4(RCOR1):c.716C>T (p.Thr239Met)

Genes: RCOR1 (REST corepressor 1; plus strand), LOC126862063 (MED14-independent group 3 enhancer GRCh37_chr14:103174038-103175237; plus strand). Cytogenetic location: 14q32.32.
Variant type: single nucleotide variant.
Coding change: c.716C>T on transcript NM_015156.4 (MANE Select); coding-DNA position 716, C replaced by T.
Protein change: p.Thr239Met; replaces threonine 239 with methionine.
Molecular consequence: missense variant.
Genome position (GRCh38, 1-based): chr14:102,708,520, C>T. VCF-style: chr14-102708520-C-T. GRCh37 (hg19) VCF-style: chr14-103174857-C-T.
Other names: short protein forms T239M.
Identifiers: ClinVar variation 2888896 (VCV002888896.3), dbSNP rs753513724, ClinGen allele CA7358878.

ClinVar aggregate classification (germline): Uncertain significance (1 of 4 stars; one submission).

Allele frequency attached by ClinVar (database versions not stated): TOPMed 0.00003; gnomAD exomes 0.00003; ExAC 0.00006; gnomAD 0.00002.
gnomAD v4.1: 44 of 1,612,108 alleles (0.0027%); highest among the groups gnomAD compares: Non-Finnish European, 0.0034%; no homozygotes.

Submission:

Labcorp Genetics (formerly Invitae), Labcorp
Classification: Uncertain significance. Last evaluated: 2025-12-08. Review status: criteria provided, single submitter. Criteria: Invitae Variant Classification Sherloc (09022015). Collection method: clinical testing. Allele origin: germline.
Comment: This sequence change replaces threonine, which is neutral and polar, with methionine, which is neutral and non-polar, at codon 239 of the RCOR1 protein (p.Thr239Met). This variant is present in population databases (rs753513724, gnomAD 0.007%). This variant has not been reported in the literature in individuals affected with RCOR1-related conditions. ClinVar contains an entry for this variant (Variation ID: 2888896). An algorithm developed to predict the effect of missense changes on protein structure and function (PolyPhen-2) suggests that this variant is likely to be disruptive. In summary, the available evidence is currently insufficient to determine the role of this variant in disease. Therefore, it has been classified as a Variant of Uncertain Significance.